The following is an entry in ClinVar:

ClinVar aggregate classification (germline): Conflicting classifications of pathogenicity. Review status: criteria provided, conflicting classifications (1 of 4 stars). 4 submissions from 4 submitters: Uncertain significance (1); Benign (1); Likely benign (2). Last evaluated 2025-08-28.

Conditions:
Hereditary cancer-predisposing syndrome. Also called: Tumor predisposition; Hereditary Cancer Syndrome; Neoplastic Syndromes, Hereditary; Hereditary neoplastic syndrome. Identifiers: Orphanet 140162, MedGen C0027672, MeSH D009386, MONDO:0015356.
Familial cancer of breast. Also called: Hereditary breast cancer; BREAST CANCER, FAMILIAL; hereditary breast carcinoma. Identifiers: Orphanet 227535, MedGen C0346153, MONDO:0016419, OMIM 114480. Disease mechanism: loss of function.
Ataxia-telangiectasia syndrome (AT). Also called: Ataxia telangiectasia (A-T); Cerebello-oculocutaneous telangiectasia; Immunodeficiency with ataxia telangiectasia; LOUIS-BAR SYNDROME; ATAXIA-TELANGIECTASIA, FRESNO VARIANT; Ataxia-telangiectasia, complementation group D. Identifiers: Orphanet 100, MedGen C0004135, MONDO:0008840, OMIM 208900.

Submissions (4):

Ambry Genetics
Classification: Uncertain significance for Hereditary cancer-predisposing syndrome. Last evaluated: 2025-08-28. Review status: criteria provided, single submitter. Criteria: Ambry Variant Classification Scheme 2023. Collection method: clinical testing. Allele origin: germline.
Comment: The c.4890C>T variant (also known as p.D1630D), located in coding exon 31 of the ATM gene. This variant results from a C to T substitution at nucleotide position 4890. This nucleotide substitution does not change the aspartic acid at codon 1630. This nucleotide position is not well conserved in available vertebrate species. In silico splice site analysis predicts that this alteration may result in the creation or strengthening of a novel splice donor site. RNA studies have demonstrated that this alteration results in an incomplete splice defect; the clinical impact of this abnormal splicing is unknown at this time (Ambry internal data). Based on the available evidence, the clinical significance of this alteration remains unclear.

Labcorp Genetics (formerly Invitae), Labcorp
Classification: Likely benign for Ataxia-telangiectasia syndrome. Last evaluated: 2024-12-23. Review status: criteria provided, single submitter. Criteria: Invitae Variant Classification Sherloc (09022015). Collection method: clinical testing. Allele origin: germline.

Myriad Genetics, Inc.
Classification: Benign for Familial cancer of breast. Last evaluated: 2024-05-21. Review status: criteria provided, single submitter. Criteria: Myriad Autosomal Dominant, Autosomal Recessive and X-Linked Classification Criteria (2023). Collection method: clinical testing. Allele origin: unknown.
Comment: This variant is considered benign. This variant is a silent/synonymous amino acid change and it is not expected to impact splicing.

Color Diagnostics, LLC DBA Color Health
Classification: Likely benign for Hereditary cancer-predisposing syndrome. Last evaluated: 2019-11-11. Review status: criteria provided, single submitter. Criteria: ACMG Guidelines, 2015. Collection method: clinical testing. Allele origin: germline.

NM_000051.4(ATM):c.4890C>T (p.Asp1630=)

Gene: ATM (ATM serine/threonine kinase; plus strand). Cytogenetic location: 11q22.3.
Variant type: single nucleotide variant.
Coding change: c.4890C>T on transcript NM_000051.4 (MANE Select); coding-DNA position 4890, C replaced by T.
Protein change: p.Asp1630=; no amino-acid change (aspartic acid 1630 retained).
Molecular consequence: synonymous variant.
Genome position (GRCh38, 1-based): chr11:108,295,040, C>T. VCF-style: chr11-108295040-C-T. GRCh37 (hg19) VCF-style: chr11-108165767-C-T.
Other names: c.4890C>T, p.Asp1630= (NM_001351834.2).
Identifiers: ClinVar variation 756608 (VCV000756608.17), dbSNP rs1591685165, ClinGen allele CA476674557.